The following is an entry in ClinVar:

ClinVar aggregate classification (germline): Pathogenic (1 of 4 stars; one submission).

Conditions:
Congenital disorder of deglycosylation (CDDG). Identifiers: MedGen C3808991, MONDO:0031376.

Submission:

Labcorp Genetics (formerly Invitae), Labcorp
Classification: Pathogenic for Congenital disorder of deglycosylation. Last evaluated: 2020-01-27. Review status: criteria provided, single submitter. Criteria: Invitae Variant Classification Sherloc (09022015). Collection method: clinical testing. Allele origin: germline.
Comment: A gross deletion of the genomic region encompassing the full coding sequence of the NGLY1 gene has been identified. The boundaries of this event are unknown as the deletion extends beyond the assayed region for this gene and therefore may encompass additional genes. This variant has not been reported in the literature in individuals with NGLY1-related conditions. Loss-of-function variants in NGLY1 are known to be pathogenic (PMID: 24651605). For these reasons, this variant has been classified as Pathogenic.

Literature cited by the submitters: PubMed 24651605.

NC_000003.11:g.(?_25760931)_(25831376_?)del

Gene: NGLY1 (N-glycanase 1; minus strand). Cytogenetic location: 3p24.2.
Variant type: Deletion.
Identifiers: ClinVar variation 1071020 (VCV001071020.1).